The following is an entry in ClinVar:

NM_001609.4(ACADSB):c.597T>C (p.Tyr199=)

Gene: ACADSB (acyl-CoA dehydrogenase short/branched chain; plus strand). Cytogenetic location: 10q26.13.
Variant type: single nucleotide variant.
Coding change: c.597T>C on transcript NM_001609.4 (MANE Select); coding-DNA position 597, T replaced by C.
Protein change: p.Tyr199=; no amino-acid change (tyrosine 199 retained).
Molecular consequence: synonymous variant.
Genome position (GRCh38, 1-based): chr10:123,041,295, T>C. VCF-style: chr10-123041295-T-C. GRCh37 (hg19) VCF-style: chr10-124800811-T-C.
Other names: c.291T>C, p.Tyr97= (NM_001330174.3).
Identifiers: ClinVar variation 3030842 (VCV003030842.2), dbSNP rs750729020, ClinGen allele CA5730747.
Genomic context (GRCh38, chr10:123,041,295, plus strand): 5'-TGGAGCAGGTAGTGACTCATTTGCTTTGAAGACCAGAGCTGATAAAGAGGGAGATTATTA[T>C]GTCCTCAATGGATCAAAGATGTGGATCAGCAGTGCTGAGCACGCAGGGCTCTTTCTGGTG-3'
Protein context (NP_001600.1, residues 189-209): KTRADKEGDY[Tyr199=]VLNGSKMWIS

ClinVar aggregate classification (germline): Likely benign (0 of 4 stars; one submission).

Conditions:
ACADSB-related disorder. Also called: ACADSB-related condition.

Allele frequency attached by ClinVar (database versions not stated): ExAC 0.00001; TOPMed 0.00001; gnomAD 0.00002; gnomAD exomes 0.00002.
gnomAD v4.1: 31 of 1,614,116 alleles (0.0019%); highest among the groups gnomAD compares: Non-Finnish European, 0.0025%; no homozygotes.

Submission:

PreventionGenetics, part of Exact Sciences
Classification: Likely benign for ACADSB-related condition. Last evaluated: 2022-04-04. Review status: no assertion criteria provided. Collection method: clinical testing. Allele origin: germline.
Comment: This variant is classified as likely benign based on ACMG/AMP sequence variant interpretation guidelines (Richards et al. 2015 PMID: 25741868, with internal and published modifications).